The following is an entry in ClinVar:

NM_014874.4(MFN2):c.1146G>A (p.Ala382=)

Gene: MFN2 (mitofusin 2; plus strand). Cytogenetic location: 1p36.22.
Variant type: single nucleotide variant.
Coding change: c.1146G>A on transcript NM_014874.4 (MANE Select); coding-DNA position 1146, G replaced by A.
Protein change: p.Ala382=; no amino-acid change (alanine 382 retained).
Molecular consequence: synonymous variant.
Genome position (GRCh38, 1-based): chr1:12,002,089, G>A. VCF-style: chr1-12002089-G-A. GRCh37 (hg19) VCF-style: chr1-12062146-G-A.
Other names: c.1146G>A (NM_014874.3); c.1146G>A, p.Ala382= (NM_001127660.2).
Identifiers: ClinVar variation 1046003 (VCV001046003.44), dbSNP rs752630853, ClinGen allele CA599016.

ClinVar aggregate classification (germline): Likely benign. Review status: criteria provided, multiple submitters, no conflicts (2 of 4 stars). 4 submissions from 4 submitters: Likely benign (4). Last evaluated 2025-11-01.

Conditions:
MFN2-related disorder. Also called: MFN2-related disorders; MFN2-related condition.
Charcot-Marie-Tooth disease type 2. Also called: Charcot-Marie-Tooth type 2. Identifiers: Orphanet 64746, MedGen C0270914, MONDO:0018993.

Allele frequency attached by ClinVar (database versions not stated): ExAC 0.00002; TOPMed 0.00002; gnomAD exomes 0.00003.
gnomAD v4.1: 39 of 1,614,120 alleles (0.0024%); highest among the groups gnomAD compares: Middle Eastern, 0.016%; no homozygotes.

Submissions (4):

Labcorp Genetics (formerly Invitae), Labcorp
Classification: Likely benign for Charcot-Marie-Tooth disease type 2. Last evaluated: 2025-11-01. Review status: criteria provided, single submitter. Criteria: Invitae Variant Classification Sherloc (09022015). Collection method: clinical testing. Allele origin: germline.

PreventionGenetics, part of Exact Sciences
Classification: Likely benign for MFN2-related condition. Last evaluated: 2025-09-10. Review status: criteria provided, single submitter. Criteria: ACMG Guidelines, 2015. Collection method: clinical testing. Allele origin: germline.
Comment: This variant is classified as likely benign based on ACMG/AMP sequence variant interpretation guidelines (Richards et al. 2015 PMID: 25741868, with internal and published modifications).

Blueprint Genetics
Classification: Likely benign. Last evaluated: 2024-11-11. Review status: criteria provided, single submitter. Criteria: ACMG Guidelines, 2015. Collection method: clinical testing. Allele origin: germline.

CeGaT Center for Human Genetics Tuebingen
Classification: Likely benign. Last evaluated: 2021-05-01. Review status: criteria provided, single submitter. Criteria: CeGaT Center For Human Genetics Tuebingen Variant Classification Criteria Version 2. Collection method: clinical testing. Allele origin: germline. Affected: yes. Observed: 1 variant allele.